The following is an entry in ClinVar:

NM_139057.4(ADAMTS17):c.*420G>A

Gene: ADAMTS17 (ADAM metallopeptidase with thrombospondin type 1 motif 17; minus strand). Cytogenetic location: 15q26.3.
Variant type: single nucleotide variant.
Coding change: c.*420G>A on transcript NM_139057.4 (MANE Select); 420 bases downstream of the stop codon, G replaced by A.
Molecular consequence: 3 prime UTR variant.
Genome position (GRCh38, 1-based): chr15:99,973,982, C>T on the plus strand (G>A on the coding strand, the complement: ADAMTS17 is on the minus strand). VCF-style: chr15-99973982-C-T. GRCh37 (hg19) VCF-style: chr15-100514187-C-T.
Identifiers: ClinVar variation 315233 (VCV000315233.5), dbSNP rs556966662, ClinGen allele CA10647676.

ClinVar aggregate classification (germline): Likely benign (1 of 4 stars; one submission).

Conditions:
Weill-Marchesani 4 syndrome, recessive. Also called: Weill-Marchesani syndrome 4. Identifiers: Orphanet 363992, MedGen C2750787, MONDO:0013176, OMIM 613195.

Allele frequency attached by ClinVar (database versions not stated): 1000 Genomes Project 0.00260; 1000 Genomes Project 30x 0.00297; TOPMed 0.00355; gnomAD 0.00622 and 0.00649.
gnomAD v4.1: 598 of 177,980 alleles (0.34%); highest among the groups gnomAD compares: Admixed American, 2.9%; 3 homozygotes.

Submission:

Illumina Laboratory Services, Illumina
Classification: Likely benign for Weill-Marchesani 4 syndrome, recessive. Last evaluated: 2018-01-12. Review status: criteria provided, single submitter. Criteria: ICSL Variant Classification Criteria 13 December 2019. Collection method: clinical testing. Allele origin: germline.
Comment: This variant was observed in the ICSL laboratory as part of a predisposition screen in an ostensibly healthy population. It had not been previously curated by ICSL or reported in the Human Gene Mutation Database (HGMD: prior to June 1st, 2018), and was therefore a candidate for classification through an automated scoring system. Utilizing variant allele frequency, disease prevalence and penetrance estimates, and inheritance mode, an automated score was calculated to assess if this variant is too frequent to cause the disease. Based on the score and internal cut-off values, a variant classified as likely benign is not then subjected to further curation. The score for this variant resulted in a classification of likely benign for this disease.